The following is an entry in ClinVar:

NM_002907.4(RECQL):c.1735C>A (p.Leu579Met)

Genes: PYROXD1 (pyridine nucleotide-disulphide oxidoreductase domain 1; plus strand), RECQL (RecQ like helicase; minus strand). Cytogenetic location: 12p12.1.
Variant type: single nucleotide variant.
Coding change: c.1735C>A on transcript NM_002907.4 (MANE Select); coding-DNA position 1735, C replaced by A.
Protein change: p.Leu579Met; replaces leucine 579 with methionine.
Molecular consequence: missense variant. On other transcripts: 3 prime UTR variant (3).
Genome position (GRCh38, 1-based): chr12:21,471,031, G>T on the plus strand (C>A on the coding strand, the complement: RECQL is on the minus strand). VCF-style: chr12-21471031-G-T. GRCh37 (hg19) VCF-style: chr12-21623965-G-T.
Other names: c.1735C>A, p.Leu579Met (NM_032941.3); c.*2277G>T (NM_001350912.2, NM_001350913.2, NM_024854.5); short protein forms L579M.
Identifiers: ClinVar variation 5028039 (VCV005028039.1).

ClinVar aggregate classification (germline): Uncertain significance (1 of 4 stars; one submission).

Submission:

Ambry Genetics
Classification: Uncertain significance. Last evaluated: 2026-06-19. Review status: criteria provided, single submitter. Criteria: Ambry Variant Classification Scheme 2023. Collection method: clinical testing. Allele origin: germline.
Comment: The p.L579M variant (also known as c.1735C>A), located in coding exon 13 of the RECQL gene, results from a C to A substitution at nucleotide position 1735. The leucine at codon 579 is replaced by methionine, an amino acid with highly similar properties. This amino acid position is conserved. In addition, this alteration is predicted to be tolerated by in silico analysis. Based on the available evidence, the clinical significance of this variant remains unclear.